The following is an entry in ClinVar:

NM_014806.5(RUSC2):c.88T>C (p.Cys30Arg)

Gene: RUSC2 (RUN and SH3 domain containing 2; plus strand). Cytogenetic location: 9p13.3.
Variant type: single nucleotide variant.
Coding change: c.88T>C on transcript NM_014806.5 (MANE Select); coding-DNA position 88, T replaced by C.
Protein change: p.Cys30Arg; replaces cysteine 30 with arginine.
Molecular consequence: missense variant. On other transcripts: non-coding transcript variant (1), intron variant (1).
Genome position (GRCh38, 1-based): chr9:35,546,609, T>C. VCF-style: chr9-35546609-T-C. GRCh37 (hg19) VCF-style: chr9-35546606-T-C.
Other names: c.88T>C, p.Cys30Arg (NM_001135999.2); c.-620-8451T>C (NM_001330740.2); short protein forms C30R.
Identifiers: ClinVar variation 1930576 (VCV001930576.5), dbSNP rs2490378780, ClinGen allele CA373325779.

ClinVar aggregate classification (germline): Uncertain significance (1 of 4 stars; one submission).

Allele frequency attached by ClinVar (database versions not stated): gnomAD exomes below 0.00001.
gnomAD v4.1: 1 of 1,552,716 alleles (0.000064%); highest among the groups gnomAD compares: Non-Finnish European, 0.000087%; no homozygotes.

Submission:

Labcorp Genetics (formerly Invitae), Labcorp
Classification: Uncertain significance. Last evaluated: 2022-05-14. Review status: criteria provided, single submitter. Criteria: Invitae Variant Classification Sherloc (09022015). Collection method: clinical testing. Allele origin: germline.
Comment: In summary, the available evidence is currently insufficient to determine the role of this variant in disease. Therefore, it has been classified as a Variant of Uncertain Significance. Algorithms developed to predict the effect of missense changes on protein structure and function (SIFT, PolyPhen-2, Align-GVGD) all suggest that this variant is likely to be tolerated. This variant has not been reported in the literature in individuals affected with RUSC2-related conditions. This variant is not present in population databases (gnomAD no frequency). This sequence change replaces cysteine, which is neutral and slightly polar, with arginine, which is basic and polar, at codon 30 of the RUSC2 protein (p.Cys30Arg).